The following is an entry in ClinVar:

ClinVar aggregate classification (germline): Uncertain significance. Review status: criteria provided, multiple submitters, no conflicts (2 of 4 stars). 4 submissions from 4 submitters: Uncertain significance (4). Last evaluated 2025-09-10.

Conditions:
Loeys-Dietz syndrome 1 (LDS1). Also called: FURLONG SYNDROME; AORTIC ANEURYSM, FAMILIAL THORACIC 5; TGFBR1-Related Loeys-Dietz Syndrome. Identifiers: Orphanet 60030, MedGen C4551955, MONDO:0012212, OMIM 609192.
Familial thoracic aortic aneurysm and aortic dissection (TAAD). Also called: Thoracic aortic aneurysms and dissections. Identifiers: Orphanet 91387, MedGen C4707243, MONDO:0019625.

Allele frequency attached by ClinVar (database versions not stated): TOPMed below 0.00001.

Submissions (4):

Genomic Medicine Center of Excellence, King Faisal Specialist Hospital and Research Centre
Classification: Uncertain significance for Loeys-Dietz syndrome 1. Last evaluated: 2025-09-10. Review status: criteria provided, single submitter. Criteria: ACMG Guidelines, 2015. Collection method: clinical testing. Allele origin: germline.

Ambry Genetics
Classification: Uncertain significance for Familial thoracic aortic aneurysm and aortic dissection. Last evaluated: 2024-02-16. Review status: criteria provided, single submitter. Criteria: Ambry Variant Classification Scheme 2023. Collection method: clinical testing. Allele origin: germline.
Comment: The p.V231L variant (also known as c.691G>C), located in coding exon 4 of the TGFBR1 gene, results from a G to C substitution at nucleotide position 691. The valine at codon 231 is replaced by leucine, an amino acid with highly similar properties. This amino acid position is conserved. In addition, this alteration is predicted to be deleterious by in silico analysis. Based on the available evidence, the clinical significance of this alteration remains unclear.

GeneDx
Classification: Uncertain significance. Last evaluated: 2023-03-30. Review status: criteria provided, single submitter. Criteria: GeneDx Variant Classification Process June 2021. Collection method: clinical testing. Allele origin: germline. Affected: yes.
Comment: Not observed at significant frequency in large population cohorts (gnomAD); In silico analysis supports that this missense variant has a deleterious effect on protein structure/function; Has not been previously published as pathogenic or benign to our knowledge

Labcorp Genetics (formerly Invitae), Labcorp
Classification: Uncertain significance for Familial thoracic aortic aneurysm and aortic dissection. Last evaluated: 2023-02-09. Review status: criteria provided, single submitter. Criteria: Invitae Variant Classification Sherloc (09022015). Collection method: clinical testing. Allele origin: germline.
Comment: In summary, the available evidence is currently insufficient to determine the role of this variant in disease. Therefore, it has been classified as a Variant of Uncertain Significance. Advanced modeling of protein sequence and biophysical properties (such as structural, functional, and spatial information, amino acid conservation, physicochemical variation, residue mobility, and thermodynamic stability) performed at Invitae indicates that this missense variant is expected to disrupt TGFBR1 protein function. This variant has not been reported in the literature in individuals affected with TGFBR1-related conditions. This variant is not present in population databases (gnomAD no frequency). This sequence change replaces valine, which is neutral and non-polar, with leucine, which is neutral and non-polar, at codon 231 of the TGFBR1 protein (p.Val231Leu).

NM_004612.4(TGFBR1):c.691G>C (p.Val231Leu)

Gene: TGFBR1 (transforming growth factor beta receptor 1; plus strand). Cytogenetic location: 9q22.33.
Variant type: single nucleotide variant.
Coding change: c.691G>C on transcript NM_004612.4 (MANE Select); coding-DNA position 691, G replaced by C.
Protein change: p.Val231Leu; replaces valine 231 with leucine.
Molecular consequence: missense variant. On other transcripts: intron variant (2), non-coding transcript variant (4).
Genome position (GRCh38, 1-based): chr9:99,137,975, G>C. VCF-style: chr9-99137975-G-C. GRCh37 (hg19) VCF-style: chr9-101900257-G-C.
Other names: c.575-4561G>C (NM_001407435.1); c.98-4561G>C (NM_001407437.1); c.460G>C, p.Val154Leu (NM_001130916.3); c.703G>C, p.Val235Leu (NM_001306210.2, NM_001407416.1); c.691G>C, p.Val231Leu (NM_001407417.1); c.496G>C, p.Val166Leu (NM_001407418.1, NM_001407419.1, NM_001407420.1 and 1 more transcripts); c.484G>C, p.Val162Leu (NM_001407423.1, NM_001407424.1, NM_001407425.1 and 8 more transcripts); c.445G>C, p.Val149Leu (NM_001407436.1); and 1 more; short protein forms V149L, V154L, V162L, V166L, V231L, V235L, V72L.
Identifiers: ClinVar variation 2582069 (VCV002582069.6), dbSNP rs1827488583, ClinGen allele CA374229700.